The following is an entry in ClinVar:

NM_022051.3(EGLN1):c.1234G>A (p.Val412Ile)

Gene: EGLN1 (egl-9 family hypoxia inducible factor 1; minus strand). Cytogenetic location: 1q42.2.
Variant type: single nucleotide variant.
Coding change: c.1234G>A on transcript NM_022051.3 (MANE Select); coding-DNA position 1234, G replaced by A.
Protein change: p.Val412Ile; replaces valine 412 with isoleucine.
Molecular consequence: missense variant. On other transcripts: 3 prime UTR variant (2).
Genome position (GRCh38, 1-based): chr1:231,366,458, C>T on the plus strand (G>A on the coding strand, the complement: EGLN1 is on the minus strand). VCF-style: chr1-231366458-C-T. GRCh37 (hg19) VCF-style: chr1-231502204-C-T.
Other names: c.*14G>A (NM_001377260.1); c.*59G>A (NM_001377261.1); short protein forms V412I.
Identifiers: ClinVar variation 1428646 (VCV001428646.11), dbSNP rs768347513, ClinGen allele CA38956955.
Genomic context (GRCh38, chr1:231,366,458, plus strand): 5'-TGGATCAAAGGCTCTAGAAGACGTCTTTACCGACCGAATCTGAAGGTTTATTGAGTTCAA[C>T]CCTCACACCTTTTTCACCTGCAAGGTAAAAAAAAAAAAAATTTTCATTCATTCACTAAGC-3'
Protein context (NP_071334.1, residues 402-422): KYLTGEKGVR[Val412Ile]ELNKPSDSVG

ClinVar aggregate classification (germline): Uncertain significance. Review status: criteria provided, multiple submitters, no conflicts (2 of 4 stars). 2 submissions from 2 submitters: Uncertain significance (2). Last evaluated 2024-05-26.

Conditions:
Erythrocytosis, familial, 3 (ECYT3). Identifiers: Orphanet 247511, MedGen C1853286, MONDO:0012353, OMIM 609820.

Allele frequency attached by ClinVar (database versions not stated): TOPMed below 0.00001; gnomAD 0.00001; gnomAD exomes 0.00001.
gnomAD v4.1: 18 of 1,613,522 alleles (0.0011%); highest among the groups gnomAD compares: Non-Finnish European, 0.0013%; no homozygotes.

Submissions (2):

Ambry Genetics
Classification: Uncertain significance. Last evaluated: 2024-05-26. Review status: criteria provided, single submitter. Criteria: Ambry Variant Classification Scheme 2023. Collection method: clinical testing. Allele origin: germline.
Comment: The p.V412I variant (also known as c.1234G>A), located in coding exon 5 of the EGLN1 gene, results from a G to A substitution at nucleotide position 1234. The valine at codon 412 is replaced by isoleucine, an amino acid with highly similar properties. This amino acid position is well conserved in available vertebrate species. In addition, this alteration is predicted to be tolerated by in silico analysis. Since supporting evidence is limited at this time, the clinical significance of this alteration remains unclear.

Labcorp Genetics (formerly Invitae), Labcorp
Classification: Uncertain significance for Erythrocytosis, familial, 3. Last evaluated: 2021-05-31. Review status: criteria provided, single submitter. Criteria: Invitae Variant Classification Sherloc (09022015). Collection method: clinical testing. Allele origin: germline.
Comment: In summary, the available evidence is currently insufficient to determine the role of this variant in disease. Therefore, it has been classified as a Variant of Uncertain Significance. Algorithms developed to predict the effect of missense changes on protein structure and function (SIFT, PolyPhen-2, Align-GVGD) all suggest that this variant is likely to be tolerated, but these predictions have not been confirmed by published functional studies and their clinical significance is uncertain. This variant has not been reported in the literature in individuals with EGLN1-related conditions. This variant is not present in population databases (ExAC no frequency). This sequence change replaces valine with isoleucine at codon 412 of the EGLN1 protein (p.Val412Ile). The valine residue is moderately conserved and there is a small physicochemical difference between valine and isoleucine.